The following is an entry in ClinVar:

ClinVar aggregate classification (germline): Uncertain significance (1 of 4 stars; one submission).

Conditions:
Inborn genetic diseases. Identifiers: MedGen C0950123, MeSH D030342.

Submission:

Ambry Genetics
Classification: Uncertain significance for Inborn genetic diseases. Last evaluated: 2025-09-16. Review status: criteria provided, single submitter. Criteria: Ambry Variant Classification Scheme 2023. Collection method: clinical testing. Allele origin: germline.
Comment: The p.T387A variant (also known as c.1159A>G), located in coding exon 7 of the ETV6 gene, results from an A to G substitution at nucleotide position 1159. The threonine at codon 387 is replaced by alanine, an amino acid with similar properties. This amino acid position is conserved. In addition, this alteration is predicted to be tolerated by in silico analysis. Based on the available evidence, the clinical significance of this variant remains unclear.

NM_001987.5(ETV6):c.1159A>G (p.Thr387Ala)

Gene: ETV6 (ETS variant transcription factor 6; plus strand). Cytogenetic location: 12p13.2.
Variant type: single nucleotide variant.
Coding change: c.1159A>G on transcript NM_001987.5 (MANE Select); coding-DNA position 1159, A replaced by G.
Protein change: p.Thr387Ala; replaces threonine 387 with alanine.
Molecular consequence: missense variant. On other transcripts: intron variant (1).
Genome position (GRCh38, 1-based): chr12:11,885,932, A>G. VCF-style: chr12-11885932-A-G. GRCh37 (hg19) VCF-style: chr12-12038866-A-G.
Other names: c.1156A>G, p.Thr386Ala (NM_001413913.1); c.1132A>G, p.Thr378Ala (NM_001413914.1); c.895A>G, p.Thr299Ala (NM_001413915.1); c.1010-5009A>G (NM_001413917.1); short protein forms T387A, T299A, T378A, T386A.
Identifiers: ClinVar variation 4618829 (VCV004618829.1).